The following is an entry in ClinVar:

NM_001282531.3(ADNP):c.481G>A (p.Glu161Lys)

Gene: ADNP (activity dependent neuroprotector homeobox; minus strand). Cytogenetic location: 20q13.13.
Variant type: single nucleotide variant.
Coding change: c.481G>A on transcript NM_001282531.3 (MANE Select); coding-DNA position 481, G replaced by A.
Protein change: p.Glu161Lys; replaces glutamic acid 161 with lysine.
Molecular consequence: missense variant.
Genome position (GRCh38, 1-based): chr20:50,894,233, C>T on the plus strand (G>A on the coding strand, the complement: ADNP is on the minus strand). VCF-style: chr20-50894233-C-T. GRCh37 (hg19) VCF-style: chr20-49510770-C-T.
Other names: c.481G>A, p.Glu161Lys (NM_001282532.2, NM_001347511.2, NM_015339.5 and 1 more transcripts); short protein forms E161K.
Identifiers: ClinVar variation 1027972 (VCV001027972.2), dbSNP rs1981147662, ClinGen allele CA408977720.

ClinVar aggregate classification (germline): Uncertain significance. Review status: criteria provided, multiple submitters, no conflicts (2 of 4 stars). 2 submissions from 2 submitters: Uncertain significance (2). Last evaluated 2022-03-21.

Conditions:
ADNP-related multiple congenital anomalies - intellectual disability - autism spectrum disorder. Also called: ADNP-Related Helsmoortel-Van der Aa Syndrome; Helsmoortel-Van der Aa Syndrome. Identifiers: Orphanet 404448, MedGen C4014538, MONDO:0014379, OMIM 615873. Disease mechanism: loss of function.

Allele frequency attached by ClinVar (database versions not stated): gnomAD 0.00001; TOPMed 0.00002.

Submissions (2):

Fulgent Genetics
Classification: Uncertain significance for ADNP-related multiple congenital anomalies - intellectual disability - autism spectrum disorder. Last evaluated: 2022-03-21. Review status: criteria provided, single submitter. Criteria: ACMG Guidelines, 2015. Collection method: clinical testing. Allele origin: unknown.

Baylor Genetics
Classification: Uncertain significance for ADNP-related multiple congenital anomalies - intellectual disability - autism spectrum disorder. Last evaluated: 2020-01-02. Review status: criteria provided, single submitter. Criteria: ACMG Guidelines, 2015. Collection method: clinical testing. Allele origin: unknown. Affected: yes.
Comment: This variant was determined to be of uncertain significance according to ACMG Guidelines, 2015 [PMID:25741868].